The following is an entry in ClinVar:

ClinVar aggregate classification (germline): Uncertain significance. Review status: criteria provided, multiple submitters, no conflicts (2 of 4 stars). 2 submissions from 2 submitters: Uncertain significance (2). Last evaluated 2024-10-10.

Conditions:
RASopathy. Also called: Noonan spectrum disorder; rasopathies. Identifiers: Orphanet 536391, MedGen C5555857, MONDO:0021060.

Allele frequency attached by ClinVar (database versions not stated): gnomAD 0.00001; gnomAD exomes 0.00001; TOPMed 0.00001.
gnomAD v4.1: 17 of 1,603,790 alleles (0.0011%); highest among the groups gnomAD compares: South Asian, 0.0011%; no homozygotes.

Submissions (2):

Labcorp Genetics (formerly Invitae), Labcorp
Classification: Uncertain significance for RASopathy. Last evaluated: 2024-10-10. Review status: criteria provided, single submitter. Criteria: Invitae Variant Classification Sherloc (09022015). Collection method: clinical testing. Allele origin: germline.
Comment: This sequence change replaces arginine, which is basic and polar, with histidine, which is basic and polar, at codon 660 of the SOS1 protein (p.Arg660His). This variant is not present in population databases (gnomAD no frequency). This variant has not been reported in the literature in individuals affected with SOS1-related conditions. ClinVar contains an entry for this variant (Variation ID: 1939313). Invitae Evidence Modeling of protein sequence and biophysical properties (such as structural, functional, and spatial information, amino acid conservation, physicochemical variation, residue mobility, and thermodynamic stability) indicates that this missense variant is not expected to disrupt SOS1 protein function with a negative predictive value of 95%. In summary, the available evidence is currently insufficient to determine the role of this variant in disease. Therefore, it has been classified as a Variant of Uncertain Significance.

GeneDx
Classification: Uncertain significance. Last evaluated: 2023-12-18. Review status: criteria provided, single submitter. Criteria: GeneDx Variant Classification Process June 2021. Collection method: clinical testing. Allele origin: germline. Affected: yes.
Comment: Not observed at significant frequency in large population cohorts (gnomAD); Missense variants in this gene are a common cause of disease and they are underrepresented in the general population; In silico analysis supports that this missense variant does not alter protein structure/function; Has not been previously published as pathogenic or benign to our knowledge

NM_005633.4(SOS1):c.1979G>A (p.Arg660His)

Gene: SOS1 (SOS Ras/Rac guanine nucleotide exchange factor 1; minus strand). Cytogenetic location: 2p22.1.
Variant type: single nucleotide variant.
Coding change: c.1979G>A on transcript NM_005633.4 (MANE Select); coding-DNA position 1979, G replaced by A.
Protein change: p.Arg660His; replaces arginine 660 with histidine.
Molecular consequence: missense variant.
Genome position (GRCh38, 1-based): chr2:39,013,951, C>T on the plus strand (G>A on the coding strand, the complement: SOS1 is on the minus strand). VCF-style: chr2-39013951-C-T. GRCh37 (hg19) VCF-style: chr2-39241092-C-T.
Other names: c.1958G>A, p.Arg653His (NM_001382394.1); c.1979G>A, p.Arg660His (NM_001382395.1); short protein forms R653H, R660H.
Identifiers: ClinVar variation 1939313 (VCV001939313.6), dbSNP rs1258974608, ClinGen allele CA346364934.